The following is an entry in ClinVar:

NM_138615.3(DHX30):c.1044C>G (p.Ile348Met)

Gene: DHX30 (DExH-box helicase 30; plus strand). Cytogenetic location: 3p21.31.
Variant type: single nucleotide variant.
Coding change: c.1044C>G on transcript NM_138615.3 (MANE Select); coding-DNA position 1044, C replaced by G.
Protein change: p.Ile348Met; replaces isoleucine 348 with methionine.
Molecular consequence: missense variant.
Genome position (GRCh38, 1-based): chr3:47,845,804, C>G. VCF-style: chr3-47845804-C-G. GRCh37 (hg19) VCF-style: chr3-47887294-C-G.
Other names: c.960C>G, p.Ile320Met (NM_001330990.2); c.927C>G, p.Ile309Met (NM_014966.4); short protein forms I309M, I320M, I348M.
Identifiers: ClinVar variation 5017400 (VCV005017400.1).
Genomic context (GRCh38, chr3:47,845,804, plus strand): 5'-CATGTATAACCTGGCCTCTTTGCGTGAGCTGGGTGAGACCCAGCGCCGACCATGCACCAT[C>G]CAGGTGCCCGAGCCCATCCTCCGCAAGATAGAGACCTTCCTGAACCATGTAAGAGGCCCT-3'
Protein context (NP_619520.1, residues 338-358): LGETQRRPCT[Ile348Met]QVPEPILRKI

ClinVar aggregate classification (germline): Uncertain significance (1 of 4 stars; one submission).

gnomAD v4.1: 1 of 1,611,082 alleles (0.000062%); highest among the groups gnomAD compares: Non-Finnish European, 0.000085%; no homozygotes.

Submission:

GeneDx
Classification: Uncertain significance. Last evaluated: 2026-03-27. Review status: criteria provided, single submitter. Criteria: GeneDx Variant Classification Process June 2021. Collection method: clinical testing. Allele origin: germline.
Comment: Not observed at significant frequency in large population cohorts (gnomAD); In silico analysis suggests that this missense variant does not alter protein structure/function; Has not been previously published as pathogenic or benign to our knowledge